The following continues an entry in ClinVar:

NM_144997.7(FLCN):c.1285dup (p.His429fs)

Gene: FLCN. ClinVar aggregate classification (germline): Pathogenic. Pathogenic (32). ClinVar aggregate classification (oncogenicity): Oncogenic.

Submissions 10 to 25 of 38:

ARUP Laboratories, Molecular Genetics and Genomics, ARUP Laboratories
Classification: Pathogenic. Last evaluated: 2025-07-21. Review status: criteria provided, single submitter. Criteria: ARUP Molecular Germline Variant Investigation Process 2024. Collection method: clinical testing. Allele origin: germline.
Comment: The FLCN c.1285dup; p.His429ProfsTer27 variant (rs80338682), also known as 9C, 1733insC, 1740dupC, and 1277insC, is a well-known pathogenic variant that occurs in the mutational sequence hot-spot of eight cytosine nucleotides in exon 11 on the FLCN gene. Both c.1285delC and c.1285dupC have been reported in several patients diagnosed with Birt-Hogg-Dube syndrome (Khoo 2002, Lee 2019, Nahorski 2011, Nickerson 2002, Sattler 2018). The c.1285dupC variant is classified as pathogenic by multiple laboratories in ClinVar (Variation ID: 3363). This variant causes a frameshift by duplicating a single nucleotide, so it is predicted to result in a truncated protein or mRNA subject to nonsense-mediated decay. Based on available information, this variant is considered to be pathogenic. REFERENCES Khoo SK et al. Clinical and genetic studies of Birt-Hogg-Dube syndrome. J Med Genet. 2002 Dec;39(12):906-12. PMID: 12471204. Lee JH et al. Birt-Hogg-DubÃ© syndrome in Korean: clinicoradiologic features and long term follow-up. Korean J Intern Med. 2019 Jul;34(4):830-840. PMID: 30360018. Nahorski MS et al. Birt Hogg-Dube syndrome-associated FLCN mutations disrupt protein stability. Hum Mutat. 2011 Aug;32(8):921-9. PMID: 21538689. Nickerson ML et al. Mutations in a novel gene lead to kidney tumors, lung wall defects, and benign tumors of the hair follicle in patients with the Birt-Hogg-DubÃ© syndrome. Cancer Cell. 2002 Aug;2(2):157-64. PMID: 12204536. Sattler EC et al. Delayed diagnosis of Birt-Hogg-DubÃ© syndrome due to marked intrafamilial clinical variability: a case report. BMC Med Genet. 2018 Mar 16;19(1):45. PMID: 29548312.

Mayo Clinic Laboratories, Mayo Clinic
Classification: Pathogenic. Last evaluated: 2025-05-02. Review status: criteria provided, single submitter. Criteria: ACMG Guidelines, 2015. Collection method: clinical testing. Allele origin: germline. Observed: 30 variant alleles.
Comment: PP1, PP4, PS3_supporting, PS4_moderate, PVS1

Ambry Genetics
Classification: Pathogenic for Hereditary cancer-predisposing syndrome. Last evaluated: 2025-03-12. Review status: criteria provided, single submitter. Criteria: Ambry Variant Classification Scheme 2023. Collection method: clinical testing. Allele origin: germline.
Comment: The c.1285dupC pathogenic mutation, located in coding exon 8 of the FLCN gene, results from a duplication of C at nucleotide position 1285, causing a translational frameshift with a predicted alternate stop codon (p.H429Pfs*27). This recurrent mutation has been reported in multiple families affected with Birt-Hogg-Dub&eacute; syndrome and was shown to result in significant impairment of FLCN protein stability and function (Nickerson ML et al. Cancer Cell. 2002 Aug;2:157-64; Khoo SK et al. J. Med. Genet. 2002 Dec;39:906-12; Nahorski MS et al. Hum. Mutat. 2011 Aug;32:921-9; Nishida C et al. Respir. Med. 2015 Jul;109:923-5; Furuya M et al. Clin. Genet. 2016 Nov;90:403-412; Rossing M et al. J. Hum. Genet. 2017 Feb;62:151-157; Lee JH et al. Korean J. Intern. Med. 2018 Oct). In addition to the clinical data presented in the literature, this alteration is expected to result in loss of function by premature protein truncation or nonsense-mediated mRNA decay. As such, this alteration is interpreted as a disease-causing mutation.

Genetics Department, Catlab
Classification: Pathogenic for Birt-Hogg-Dube syndrome 1. Last evaluated: 2025-01-20. Review status: criteria provided, single submitter. Criteria: ACMG Guidelines, 2015. Collection method: clinical testing. Allele origin: germline. Affected: yes. Observed: 1 variant allele.
Comment: The c.1285dup variant in the FLCN gene is a loss of function variant predicted to undergo nonsense mediated decay, and loss of function variants have been described as a causing mechanism for the gene (PVS1). The change has been previously described in affected patients (PMID:30586397) (PS4_moderate). The variant has a low frequency in the gnomAD database (PM2) and is located in a mutational hot-spot (PM1). With all the available evidence, the variant is classified as pathogenic.

Blueprint Genetics
Classification: Pathogenic for FLCN-related disorders. Last evaluated: 2024-11-25. Review status: criteria provided, single submitter. Criteria: ACMG Guidelines, 2015. Collection method: clinical testing. Allele origin: germline. Affected: yes. Observed: 5 variant alleles.

Institute of Human Genetics, University of Leipzig Medical Center
Classification: Pathogenic for Birt-Hogg-Dube syndrome 1. Last evaluated: 2024-11-12. Review status: criteria provided, single submitter. Criteria: ACMG Guidelines, 2015. Collection method: clinical testing. Allele origin: maternal. Inheritance: Autosomal dominant inheritance. Affected: yes.
Comment: Criteria applied: PVS1,PS4_MOD,PS3_SUP,PP1,PP4

St. Jude Molecular Pathology, St. Jude Children's Research Hospital
Classification: Pathogenic for Birt-Hogg-Dube syndrome 1. Last evaluated: 2024-04-22. Review status: criteria provided, single submitter. Criteria: St. Jude Assertion Criteria 2020. Collection method: clinical testing. Allele origin: germline.
Comment: The FLCN c.1285dup (p.His429ProfsTer27) change duplicates one nucleotide to cause a frameshift and the creation of a premature stop codon. This change is predicted to cause protein truncation or absence of protein due to nonsense-mediated decay. The variant is located in the polycytosine tract in exon 11 and has been reported in several individuals with Birt-Hogg-Dubé syndrome (PMID: 26028485; 29548312; 30360018; 30696655; 34540968; 35664771). In summary, this variant meets criteria to be classified as pathogenic.

Clinical Genetics Laboratory, Skane University Hospital Lund
Classification: Pathogenic. Last evaluated: 2024-02-06. Review status: criteria provided, single submitter. Criteria: ACMG Guidelines, 2015. Collection method: clinical testing. Allele origin: germline. Affected: yes.

Myriad Genetics, Inc.
Classification: Pathogenic for Birt-Hogg-Dube syndrome 1. Last evaluated: 2023-07-07. Review status: criteria provided, single submitter. Criteria: Myriad Autosomal Dominant, Autosomal Recessive and X-Linked Classification Criteria (2023). Collection method: clinical testing. Allele origin: unknown.
Comment: This variant is considered pathogenic. This variant creates a frameshift predicted to result in premature protein truncation.

Institute of Medical Genetics and Applied Genomics, University Hospital Tübingen
Classification: Pathogenic for Birt-Hogg-Dube syndrome 1. Last evaluated: 2023-03-08. Review status: criteria provided, single submitter. Criteria: ACMG Guidelines, 2015. Collection method: clinical testing. Allele origin: germline. Inheritance: Autosomal dominant inheritance. Affected: yes.

Department of Pathology and Laboratory Medicine, Sinai Health System
Classification: Pathogenic for Birt-Hogg-Dube syndrome 1; Colorectal cancer; Familial spontaneous pneumothorax; Nonpapillary renal cell carcinoma. Last evaluated: 2022-11-21. Review status: criteria provided, single submitter. Criteria: ACMG Guidelines, 2015. Collection method: clinical testing. Allele origin: germline. Affected: yes.

Baylor Genetics
Classification: Pathogenic for Birt-Hogg-Dube syndrome 1. Last evaluated: 2022-09-19. Review status: criteria provided, single submitter. Criteria: ACMG Guidelines, 2015. Collection method: clinical testing. Allele origin: unknown.

MGZ Medical Genetics Center
Classification: Pathogenic for Birt-Hogg-Dube syndrome 1. Last evaluated: 2022-08-25. Review status: criteria provided, single submitter. Criteria: ACMG Guidelines, 2015. Collection method: clinical testing. Allele origin: germline. Affected: yes. Observed: 2 variant alleles.
Comment: ACMG criteria applied: PVS1, PS4, PM2_SUP

GeneDx
Classification: Pathogenic. Last evaluated: 2022-08-09. Review status: criteria provided, single submitter. Criteria: GeneDx Variant Classification Process June 2021. Collection method: clinical testing. Allele origin: germline. Affected: yes.
Comment: Frameshift variant predicted to result in protein truncation or nonsense mediated decay in a gene for which loss-of-function is a known mechanism of disease; Published functional studies demonstrate a damaging effect: inactivates gene expression, disrupts protein stability, inhibits tumor suppression, and down-regulates multiple genes involved in TGF-beta signaling (Hong et al., 2010a; Hong et al., 2010b; Nahorski et al., 2011); Also known as 1733insC; This variant is associated with the following publications: (PMID: 21209915, 23784378, 23416984, 12204536, 27229674, 28152038, 12471204, 21538689, 22146830, 23995526, 24346394, 20573232, 25594584, 19850877, 20618353, 18505456, 27220747, 27734835, 28558743, 28690286, 28151982, 29357828, 30360018, 29548312, 28724667, 26387484, 26028485, 28869776, 22148048, 20522427, 31019283, 32782288, 33726816, 34008892, 30696655)

Quest Diagnostics Nichols Institute San Juan Capistrano
Classification: Pathogenic. Last evaluated: 2022-05-12. Review status: criteria provided, single submitter. Criteria: Quest Diagnostics criteria. Collection method: clinical testing. Allele origin: unknown.
Comment: This frameshift variant alters the translational reading frame of the FLCN mRNA and causes the premature termination of FLCN protein synthesis. In the published literature, the variant has been reported in several individuals and families with Birt-Hogg-Dube Syndrome (PMIDs: 12204536 (2002), 12471204 (2002), 17496196 (2007), 18505456 (2008), 26028485 (2015), 27220747 (2016), 27734835 (2017), 27905298 (2016), 29357828 (2018), 29548312 (2018), and 30360018 (2019)). Functional studies found that this variant significantly impaired FLCN protein stability and function (PMIDs: 21538689 (2011) and 27905298 (2016)). Based on the available information, this variant is classified as pathogenic.

Dasa
Classification: Pathogenic for Familial spontaneous pneumothorax. Last evaluated: 2022-03-05. Review status: criteria provided, single submitter. Criteria: ACMG Guidelines, 2015. Collection method: clinical testing. Allele origin: germline. Affected: yes. Observed: 1 variant allele.
Comment: The c.1285dupC;p.(His429Profs*27) is a null frameshift variant (NMD) in the FLCN gene and predicts alteration of the nonsense-mediate decay - NMD is present in a relevant exon to the transcript - PVS1. This sequence change has been observed in affected individual(s) and ClinVar contains an entry for this variant (ClinVar ID: 3363; PMID: 12471204; PMID: 20522427; PMID: 17496196; PMID: 12204536)PS4_moderate. This variant is not present in population databases (rs80338682- gnomAD; ABraOM no frequency.) - PM2. In summary, the currently available evidence indicates that the variant is pathogenic.